The following is an entry in ClinVar:

NM_003630.3(PEX3):c.332-1G>A

Gene: PEX3 (peroxisomal biogenesis factor 3; plus strand). Cytogenetic location: 6q24.2.
Variant type: single nucleotide variant.
Coding change: c.332-1G>A on transcript NM_003630.3 (MANE Select); the canonical splice acceptor site of the intron before coding-DNA position 332, G replaced by A.
Molecular consequence: splice acceptor variant.
Genome position (GRCh38, 1-based): chr6:143,470,960, G>A. VCF-style: chr6-143470960-G-A. GRCh37 (hg19) VCF-style: chr6-143792097-G-A.
Identifiers: ClinVar variation 4704612 (VCV004704612.1).

ClinVar aggregate classification (germline): Likely pathogenic (1 of 4 stars; one submission).

gnomAD v4.1: 12 of 1,611,730 alleles (0.00074%); highest among the groups gnomAD compares: Admixed American, 0.0017%; no homozygotes.

Submission:

Labcorp Genetics (formerly Invitae), Labcorp
Classification: Likely pathogenic. Last evaluated: 2025-08-30. Review status: criteria provided, single submitter. Criteria: Invitae Variant Classification Sherloc (09022015). Collection method: clinical testing. Allele origin: germline.
Comment: This sequence change affects an acceptor splice site in intron 4 of the PEX3 gene. It is expected to disrupt RNA splicing. Variants that disrupt the donor or acceptor splice site typically lead to a loss of protein function (PMID: 16199547), and loss-of-function variants in PEX3 are known to be pathogenic (PMID: 10942428, 21031596). This variant is present in population databases (no rsID available, gnomAD 0.003%). This variant has not been reported in the literature in individuals affected with PEX3-related conditions. Algorithms developed to predict the effect of sequence changes on RNA splicing suggest that this variant may disrupt the consensus splice site. In summary, the currently available evidence indicates that the variant is pathogenic, but additional data are needed to prove that conclusively. Therefore, this variant has been classified as Likely Pathogenic.

Literature cited by the submitters: PubMed 16199547; PubMed 10942428; PubMed 21031596.